The following is an entry in ClinVar:

NM_000138.5(FBN1):c.3496T>C (p.Cys1166Arg)

Gene: FBN1 (fibrillin 1; minus strand). Cytogenetic location: 15q21.1.
Variant type: single nucleotide variant.
Coding change: c.3496T>C on transcript NM_000138.5 (MANE Select); coding-DNA position 3496, T replaced by C.
Protein change: p.Cys1166Arg; replaces cysteine 1166 with arginine.
Molecular consequence: missense variant.
Genome position (GRCh38, 1-based): chr15:48,487,168, A>G on the plus strand (T>C on the coding strand, the complement: FBN1 is on the minus strand). VCF-style: chr15-48487168-A-G. GRCh37 (hg19) VCF-style: chr15-48779365-A-G.
Other names: short protein forms C1166R.
Identifiers: ClinVar variation 420926 (VCV000420926.2), dbSNP rs1064794796, ClinGen allele CA16619958.
Genomic context (GRCh38, chr15:48,487,168, plus strand): 5'-AGCCAGGGTTGCAGGCACACTGATACTTCCCTATGAGGTTCACGCAACGGCCATTGGGGC[A>G]CAGGTGTGCACTCAGCTCACATTCATTGATGTCTGTCGGGAAAATAAGAAGAACAAACAC-3'
Protein context (NP_000129.3, residues 1156-1176): INECELSAHL[Cys1166Arg]PNGRCVNLIG

ClinVar aggregate classification (germline): Likely pathogenic (1 of 4 stars; one submission).

Submission:

GeneDx
Classification: Likely pathogenic. Last evaluated: 2016-04-13. Review status: criteria provided, single submitter. Criteria: GeneDx Variant Classification (06012015). Collection method: clinical testing. Allele origin: germline. Affected: yes.
Comment: A novel C1166R variant that is likely pathogenic was identified in the FBN1 gene. It has not been published as apathogenic variant, nor has it been reported as a benign variant to our knowledge. This variant was not observed inapproximately 6,500 individuals of European and African American ancestry in the NHLBI Exome SequencingProject, indicating it is not a common benign variant in these populations. The C1166R variant is a non-conservativeamino acid substitution, which is likely to impact secondary protein structure as these residues differ in polarity,charge, size and/or other properties. This substitution occurs at a position that is conserved across species and insilico analysis predicts this variant is probably damaging to the protein structure/function. Furthermore, the C1166Rvariant affects a Cysteine residue within a calcium-binding EGF-like domain of the FBN1 gene, which may affectdisulfide bonding and is predicted to alter the structure and function of the protein. Cysteine substitutions in thecalcium-binding EGF-like domains represent the majority of pathogenic missense changes associated with Marfansyndrome (Collod-Beroud et al., 2003). Therefore, this variant is likely pathogenic. In order to definitively determine its clinical significance, additional data is required.